The following is an entry in ClinVar:

NM_022124.6(CDH23):c.8737A>C (p.Ile2913Leu)

Gene: CDH23 (cadherin related 23; plus strand). Cytogenetic location: 10q22.1.
Variant type: single nucleotide variant.
Coding change: c.8737A>C on transcript NM_022124.6 (MANE Select); coding-DNA position 8737, A replaced by C.
Protein change: p.Ile2913Leu; replaces isoleucine 2913 with leucine.
Molecular consequence: missense variant.
Genome position (GRCh38, 1-based): chr10:71,809,834, A>C. VCF-style: chr10-71809834-A-C. GRCh37 (hg19) VCF-style: chr10-73569591-A-C.
Other names: c.2017A>C, p.Ile673Leu (NM_001171933.1, NM_001171934.1); short protein forms I2913L, I673L.
Identifiers: ClinVar variation 835420 (VCV000835420.8), dbSNP rs368317741, ClinGen allele CA377133038.

ClinVar aggregate classification (germline): Uncertain significance (1 of 4 stars; one submission).

gnomAD v4.1: 12 of 1,612,582 alleles (0.00074%); highest among the groups gnomAD compares: Non-Finnish European, 0.001%; no homozygotes.

Submission:

Labcorp Genetics (formerly Invitae), Labcorp
Classification: Uncertain significance. Last evaluated: 2024-04-17. Review status: criteria provided, single submitter. Criteria: Invitae Variant Classification Sherloc (09022015). Collection method: clinical testing. Allele origin: germline.
Comment: This sequence change replaces isoleucine, which is neutral and non-polar, with leucine, which is neutral and non-polar, at codon 2913 of the CDH23 protein (p.Ile2913Leu). This variant is not present in population databases (gnomAD no frequency). This variant has not been reported in the literature in individuals affected with CDH23-related conditions. ClinVar contains an entry for this variant (Variation ID: 835420). Advanced modeling of protein sequence and biophysical properties (such as structural, functional, and spatial information, amino acid conservation, physicochemical variation, residue mobility, and thermodynamic stability) performed at Invitae indicates that this missense variant is not expected to disrupt CDH23 protein function with a negative predictive value of 95%. In summary, the available evidence is currently insufficient to determine the role of this variant in disease. Therefore, it has been classified as a Variant of Uncertain Significance.